The following is an entry in ClinVar:

ClinVar aggregate classification (germline): Benign. Review status: criteria provided, multiple submitters, no conflicts (2 of 4 stars). 2 submissions from 2 submitters: Benign (2). Last evaluated 2018-06-13.

Allele frequency attached by ClinVar (database versions not stated): gnomAD 0.27804 and 0.28274; TOPMed 0.28494; gnomAD exomes 0.29439; 1000 Genomes Project 30x 0.32433; 1000 Genomes Project 0.32907.
gnomAD v4.1: 267,806 of 915,334 alleles (29%); highest among the groups gnomAD compares: East Asian, 50%; 40,837 homozygotes.

Submissions (2):

GeneDx
Classification: Benign. Last evaluated: 2018-06-13. Review status: criteria provided, single submitter. Criteria: GeneDx Variant Classification (06012015). Collection method: clinical testing. Allele origin: germline. Affected: yes.
Comment: This variant is considered likely benign or benign based on one or more of the following criteria: it is a conservative change, it occurs at a poorly conserved position in the protein, it is predicted to be benign by multiple in silico algorithms, and/or has population frequency not consistent with disease.

Breakthrough Genomics
Classification: Benign. Review status: criteria provided, single submitter. Criteria: ACMG Guidelines, 2015. Collection method: not provided. Allele origin: germline. Inheritance: Autosomal recessive inheritance. Affected: yes.

NM_002906.4(RDX):c.468-80G>C

Gene: RDX (radixin; minus strand). Cytogenetic location: 11q22.3.
Variant type: single nucleotide variant.
Coding change: c.468-80G>C on transcript NM_002906.4 (MANE Select); 80 bases into the intron before coding-DNA position 468, G replaced by C.
Molecular consequence: intron variant.
Genome position (GRCh38, 1-based): chr11:110,258,269, C>G on the plus strand (G>C on the coding strand, the complement: RDX is on the minus strand). VCF-style: chr11-110258269-C-G. GRCh37 (hg19) VCF-style: chr11-110128994-C-G.
Other names: c.468-80G>C (NM_001260493.2, NM_001260492.2); c.-82-10436G>C (NM_001260495.2); c.372-80G>C (NM_001260496.2); c.60-80G>C (NM_001260494.2).
Identifiers: ClinVar variation 682571 (VCV000682571.2), dbSNP rs10789756, ClinGen allele CA15683351.